The following is an entry in ClinVar:

ClinVar aggregate classification (germline): Uncertain significance (1 of 4 stars; one submission).

Conditions:
Cardiovascular phenotype. Identifiers: MedGen CN230736.

Submission:

Ambry Genetics
Classification: Uncertain significance for Cardiovascular phenotype. Last evaluated: 2024-07-01. Review status: criteria provided, single submitter. Criteria: Ambry Variant Classification Scheme 2023. Collection method: clinical testing. Allele origin: germline.
Comment: The p.K2880R variant (also known as c.8639A>G), located in coding exon 59 of the RYR2 gene, results from an A to G substitution at nucleotide position 8639. The lysine at codon 2880 is replaced by arginine, an amino acid with highly similar properties. This amino acid position is highly conserved in available vertebrate species. In addition, the in silico prediction for this alteration is inconclusive. Based on the available evidence, the clinical significance of this variant remains unclear.

NM_001035.3(RYR2):c.8639A>G (p.Lys2880Arg)

Gene: RYR2 (ryanodine receptor 2; plus strand). Cytogenetic location: 1q43.
Variant type: single nucleotide variant.
Coding change: c.8639A>G on transcript NM_001035.3 (MANE Select); coding-DNA position 8639, A replaced by G.
Protein change: p.Lys2880Arg; replaces lysine 2880 with arginine.
Molecular consequence: missense variant.
Genome position (GRCh38, 1-based): chr1:237,674,144, A>G. VCF-style: chr1-237674144-A-G. GRCh37 (hg19) VCF-style: chr1-237837444-A-G.
Other names: short protein forms K2880R.
Identifiers: ClinVar variation 3436563 (VCV003436563.1).